The following is an entry in ClinVar:

NM_014251.3(SLC25A13):c.882T>C (p.Ala294=)

Gene: SLC25A13 (solute carrier family 25 member 13; minus strand). Cytogenetic location: 7q21.3.
Variant type: single nucleotide variant.
Coding change: c.882T>C on transcript NM_014251.3 (MANE Select); coding-DNA position 882, T replaced by C.
Protein change: p.Ala294=; no amino-acid change (alanine 294 retained).
Molecular consequence: synonymous variant. On other transcripts: non-coding transcript variant (1).
Genome position (GRCh38, 1-based): chr7:96,189,345, A>G on the plus strand (T>C on the coding strand, the complement: SLC25A13 is on the minus strand). VCF-style: chr7-96189345-A-G. GRCh37 (hg19) VCF-style: chr7-95818657-A-G.
Other names: c.882T>C, p.Ala294= (NM_001160210.2).
Identifiers: ClinVar variation 287001 (VCV000287001.17), dbSNP rs138094550, ClinGen allele CA4353110.

ClinVar aggregate classification (germline): Conflicting classifications of pathogenicity. Review status: criteria provided, conflicting classifications (1 of 4 stars). 3 submissions from 3 submitters: Uncertain significance (1); Likely benign (1). 1 of the submissions does not count toward it. Last evaluated 2025-09-19.

Conditions:
SLC25A13-related disorder. Also called: SLC25A13-related condition.
Citrin deficiency. Identifiers: Orphanet 247582, MedGen C1997910, MONDO:0016602.

Allele frequency attached by ClinVar (database versions not stated): ExAC 0.00006; gnomAD exomes 0.00006 and 0.00007; ESP Exome Variant Server 0.00023; gnomAD 0.00024 and 0.00025; TOPMed 0.00026; 1000 Genomes Project 30x 0.00031; 1000 Genomes Project 0.00040.
gnomAD v4.1: 151 of 1,614,220 alleles (0.0094%); highest among the groups gnomAD compares: African/African-American, 0.055%; no homozygotes.

Submissions (3):

Labcorp Genetics (formerly Invitae), Labcorp
Classification: Likely benign for Citrin deficiency. Last evaluated: 2025-09-19. Review status: criteria provided, single submitter. Criteria: Invitae Variant Classification Sherloc (09022015). Collection method: clinical testing. Allele origin: germline.

Eurofins Ntd Llc (ga)
Classification: Uncertain significance. Last evaluated: 2017-12-06. Review status: criteria provided, single submitter. Criteria: EGL Classification Definitions 2015. Collection method: clinical testing. Allele origin: germline. Observed: 2 variant alleles, 2 heterozygotes.

PreventionGenetics, part of Exact Sciences
Classification: Likely benign for SLC25A13-related condition. Last evaluated: 2022-06-21. Review status: no assertion criteria provided. Collection method: clinical testing. Allele origin: germline. Not counted in ClinVar's aggregate classification.
Comment: This variant is classified as likely benign based on ACMG/AMP sequence variant interpretation guidelines (Richards et al. 2015 PMID: 25741868, with internal and published modifications).